The following is an entry in ClinVar:

ClinVar aggregate classification (germline): Uncertain significance (1 of 4 stars; one submission).

gnomAD v4.1: 10 of 1,612,860 alleles (0.00062%); highest among the groups gnomAD compares: Admixed American, 0.005%; no homozygotes.

Submission:

GeneDx
Classification: Uncertain significance. Last evaluated: 2024-05-15. Review status: criteria provided, single submitter. Criteria: GeneDx Variant Classification Process June 2021. Collection method: clinical testing. Allele origin: germline. Affected: yes.
Comment: Not observed at significant frequency in large population cohorts (gnomAD); Missense variant in a gene in which most reported pathogenic variants are truncating/loss of function; Has not been previously published as pathogenic or benign to our knowledge

NM_001267550.2(TTN):c.77347C>T (p.Arg25783Trp)

Genes: TTN (titin; minus strand), TTN-AS1 (TTN antisense RNA 1; plus strand). Cytogenetic location: 2q31.2.
Variant type: single nucleotide variant.
Coding change: c.77347C>T on transcript NM_001267550.2 (MANE Select); coding-DNA position 77347, C replaced by T.
Protein change: p.Arg25783Trp; replaces arginine 25783 with tryptophan.
Molecular consequence: missense variant.
Genome position (GRCh38, 1-based): chr2:178,568,785, G>A on the plus strand (C>T on the coding strand, the complement: TTN is on the minus strand). VCF-style: chr2-178568785-G-A. GRCh37 (hg19) VCF-style: chr2-179433512-G-A.
Other names: c.72424C>T, p.Arg24142Trp (NM_001256850.1); c.50152C>T, p.Arg16718Trp (NM_003319.4); c.69643C>T, p.Arg23215Trp (NM_133378.4); c.50527C>T, p.Arg16843Trp (NM_133432.3); c.50728C>T, p.Arg16910Trp (NM_133437.4); short protein forms R16718W, R16843W, R16910W, R23215W, R24142W, R25783W.
Identifiers: ClinVar variation 3377912 (VCV003377912.1).
Genomic context (GRCh38, chr2:178,568,785, plus strand): 5'-CAGGTTTTACATCTGGCTCAATTACCAGATCTTTGGCAACTATTGGAACTGCAAGGGACC[G>A]AGGATCACTTCTCCCCTTTTCATTTACAGCAACAACTCTAAAAAGATATTCTTCCCCTTG-3'
Protein context (NP_001254479.2, residues 25773-25793): AVNEKGRSDP[Arg25783Trp]SLAVPIVAKD